The following is an entry in ClinVar:

ClinVar aggregate classification (germline): Uncertain significance (1 of 4 stars; one submission).

gnomAD v4.1: 22 of 1,614,124 alleles (0.0014%); highest among the groups gnomAD compares: African/African-American, 0.029%; no homozygotes.

Submission:

Labcorp Genetics (formerly Invitae), Labcorp
Classification: Uncertain significance. Last evaluated: 2025-09-06. Review status: criteria provided, single submitter. Criteria: Invitae Variant Classification Sherloc (09022015). Collection method: clinical testing. Allele origin: germline.
Comment: This sequence change replaces glutamic acid, which is acidic and polar, with glycine, which is neutral and non-polar, at codon 736 of the KL protein (p.Glu736Gly). This variant is present in population databases (rs374838873, gnomAD 0.05%). This variant has not been reported in the literature in individuals affected with KL-related conditions. Invitae Evidence Modeling of protein sequence and biophysical properties (such as structural, functional, and spatial information, amino acid conservation, physicochemical variation, residue mobility, and thermodynamic stability) has been performed for this missense variant. However, the output from this modeling did not meet the statistical confidence thresholds required to predict the impact of this variant on KL protein function. In summary, the available evidence is currently insufficient to determine the role of this variant in disease. Therefore, it has been classified as a Variant of Uncertain Significance.

NM_004795.4(KL):c.2207A>G (p.Glu736Gly)

Gene: KL (klotho; plus strand). Cytogenetic location: 13q13.1.
Variant type: single nucleotide variant.
Coding change: c.2207A>G on transcript NM_004795.4 (MANE Select); coding-DNA position 2207, A replaced by G.
Protein change: p.Glu736Gly; replaces glutamic acid 736 with glycine.
Molecular consequence: missense variant.
Genome position (GRCh38, 1-based): chr13:33,061,286, A>G. VCF-style: chr13-33061286-A-G. GRCh37 (hg19) VCF-style: chr13-33635423-A-G.
Other names: short protein forms E736G.
Identifiers: ClinVar variation 4802824 (VCV004802824.1).
Genomic context (GRCh38, chr13:33,061,286, plus strand): 5'-AAAAGTTTAGGCATGCTCAGAATGGGAAAATATCCATAGCCTTGCAGGCTGATTGGATAG[A>G]ACCTGCCTGCCCTTTCTCCCAAAAGGACAAAGAGGTGGCTGAGAGAGTTTTGGAATTTGA-3'
Protein context (NP_004786.2, residues 726-746): ISIALQADWI[Glu736Gly]PACPFSQKDK